The following is an entry in ClinVar:

NM_006306.4(SMC1A):c.4G>C (p.Gly2Arg)

Gene: SMC1A (structural maintenance of chromosomes 1A; minus strand). Cytogenetic location: Xp11.22.
Variant type: single nucleotide variant.
Coding change: c.4G>C on transcript NM_006306.4 (MANE Select); coding-DNA position 4, G replaced by C.
Protein change: p.Gly2Arg; replaces glycine 2 with arginine.
Molecular consequence: missense variant. On other transcripts: 5 prime UTR variant (1).
Genome position (GRCh38, 1-based): chrX:53,422,597, C>G on the plus strand (G>C on the coding strand, the complement: SMC1A is on the minus strand). VCF-style: chrX-53422597-C-G. GRCh37 (hg19) VCF-style: chrX-53449546-C-G.
Other names: c.-209G>C (NM_001281463.1); short protein forms G2R.
Identifiers: ClinVar variation 2104362 (VCV002104362.4), dbSNP rs2075764895, ClinGen allele CA413135787.

ClinVar aggregate classification (germline): Uncertain significance (1 of 4 stars; one submission).

Conditions:
Congenital muscular hypertrophy-cerebral syndrome (CDLS2). Also called: SMC1A-Related Cornelia de Lange Syndrome; Cornelia de Lange syndrome 2. Identifiers: Orphanet 199, MedGen C1802395, MONDO:0010370, OMIM 300590.

Submission:

Labcorp Genetics (formerly Invitae), Labcorp
Classification: Uncertain significance for Congenital muscular hypertrophy-cerebral syndrome. Last evaluated: 2022-11-23. Review status: criteria provided, single submitter. Criteria: Invitae Variant Classification Sherloc (09022015). Collection method: clinical testing. Allele origin: germline.
Comment: In summary, the available evidence is currently insufficient to determine the role of this variant in disease. Therefore, it has been classified as a Variant of Uncertain Significance. Advanced modeling of protein sequence and biophysical properties (such as structural, functional, and spatial information, amino acid conservation, physicochemical variation, residue mobility, and thermodynamic stability) performed at Invitae indicates that this missense variant is expected to disrupt SMC1A protein function. This variant has not been reported in the literature in individuals affected with SMC1A-related conditions. This variant is not present in population databases (gnomAD no frequency). This sequence change replaces glycine, which is neutral and non-polar, with arginine, which is basic and polar, at codon 2 of the SMC1A protein (p.Gly2Arg).